The following is an entry in ClinVar:

NM_001211.6(BUB1B):c.967-3C>T

Gene: BUB1B (BUB1 mitotic checkpoint serine/threonine kinase B; plus strand). Cytogenetic location: 15q15.1.
Variant type: single nucleotide variant.
Coding change: c.967-3C>T on transcript NM_001211.6 (MANE Select); 3 bases into the intron before coding-DNA position 967, C replaced by T.
Molecular consequence: intron variant.
Genome position (GRCh38, 1-based): chr15:40,185,548, C>T. VCF-style: chr15-40185548-C-T. GRCh37 (hg19) VCF-style: chr15-40477749-C-T.
Identifiers: ClinVar variation 2413908 (VCV002413908.6), dbSNP rs2542536131, ClinGen allele CA2580089367.

ClinVar aggregate classification (germline): Uncertain significance (1 of 4 stars; one submission).

Conditions:
Mosaic variegated aneuploidy syndrome 1 (MVA1). Also called: Warburton-Anyane-Yeboa syndrome. Identifiers: Orphanet 1052, MedGen C1850343, MONDO:0009759, OMIM 257300.

gnomAD v4.1: 1 of 1,614,046 alleles (0.000062%); no homozygotes.

Submission:

Labcorp Genetics (formerly Invitae), Labcorp
Classification: Uncertain significance for Mosaic variegated aneuploidy syndrome 1. Last evaluated: 2022-10-25. Review status: criteria provided, single submitter. Criteria: Invitae Variant Classification Sherloc (09022015). Collection method: clinical testing. Allele origin: germline.
Comment: In summary, the available evidence is currently insufficient to determine the role of this variant in disease. Therefore, it has been classified as a Variant of Uncertain Significance. Variants that disrupt the consensus splice site are a relatively common cause of aberrant splicing (PMID: 17576681, 9536098). Algorithms developed to predict the effect of sequence changes on RNA splicing suggest that this variant is not likely to affect RNA splicing. This variant has not been reported in the literature in individuals affected with BUB1B-related conditions. This variant is not present in population databases (gnomAD no frequency). This sequence change falls in intron 7 of the BUB1B gene. It does not directly change the encoded amino acid sequence of the BUB1B protein. It affects a nucleotide within the consensus splice site.

Literature cited by the submitters: PubMed 17576681; PubMed 9536098.